The following is an entry in ClinVar:

NM_001005337.3(PKP1):c.*924T>C

Gene: PKP1 (plakophilin 1; plus strand). Cytogenetic location: 1q32.1.
Variant type: single nucleotide variant.
Coding change: c.*924T>C on transcript NM_001005337.3 (MANE Select); 924 bases downstream of the stop codon, T replaced by C.
Molecular consequence: 3 prime UTR variant.
Genome position (GRCh38, 1-based): chr1:201,330,965, T>C. VCF-style: chr1-201330965-T-C. GRCh37 (hg19) VCF-style: chr1-201300093-T-C.
Other names: c.*924T>C (NM_000299.4).
Identifiers: ClinVar variation 294857 (VCV000294857.6), dbSNP rs3795630, ClinGen allele CA10608758.
Genomic context (GRCh38, chr1:201,330,965, plus strand): 5'-GCCCTGCATTCAGAGGTCTTGTAATCTACTTGTTGCAGGAGAAAGAAGGTAAAAAATGAT[T>C]TTTTTAAGAAAAGCTATTTTATTGCAGCTCTTTCCCAAGAGCTGTTCTGGGAATGGCTGG-3'

ClinVar aggregate classification (germline): Benign. Review status: criteria provided, multiple submitters, no conflicts (2 of 4 stars). 2 submissions from 2 submitters: Benign (2). Last evaluated 2018-01-13.

Conditions:
Epidermolysis bullosa simplex due to plakophilin deficiency. Also called: MCGRATH SYNDROME. Identifiers: Orphanet 158668, MedGen C1858302, MONDO:0011472, OMIM 604536.

Allele frequency attached by ClinVar (database versions not stated): 1000 Genomes Project 30x 0.04154; 1000 Genomes Project 0.04273; gnomAD 0.04442 and 0.04511; TOPMed 0.04443; gnomAD exomes 0.12500.
gnomAD v4.1: 6,905 of 152,278 alleles (4.5%); highest among the groups gnomAD compares: South Asian, 6.7%; 209 homozygotes.

Submissions (2):

Illumina Laboratory Services, Illumina
Classification: Benign for Epidermolysis bullosa simplex due to plakophilin deficiency. Last evaluated: 2018-01-13. Review status: criteria provided, single submitter. Criteria: ICSL Variant Classification Criteria 13 December 2019. Collection method: clinical testing. Allele origin: germline.
Comment: This variant was observed in the ICSL laboratory as part of a predisposition screen in an ostensibly healthy population. It had not been previously curated by ICSL or reported in the Human Gene Mutation Database (HGMD: prior to June 1st, 2018), and was therefore a candidate for classification through an automated scoring system. Utilizing variant allele frequency, disease prevalence and penetrance estimates, and inheritance mode, an automated score was calculated to assess if this variant is too frequent to cause the disease. Based on the score and internal cut-off values, a variant classified as benign is not then subjected to further curation. The score for this variant resulted in a classification of benign for this disease.

Breakthrough Genomics
Classification: Benign. Review status: criteria provided, single submitter. Criteria: ACMG Guidelines, 2015. Collection method: not provided. Allele origin: germline. Inheritance: Autosomal recessive inheritance. Affected: yes.